The following is an entry in ClinVar:

NM_018124.4(RFWD3):c.194C>T (p.Ala65Val)

Gene: RFWD3 (ring finger and WD repeat domain 3; minus strand). Cytogenetic location: 16q23.1.
Variant type: single nucleotide variant.
Coding change: c.194C>T on transcript NM_018124.4 (MANE Select); coding-DNA position 194, C replaced by T.
Protein change: p.Ala65Val; replaces alanine 65 with valine.
Molecular consequence: missense variant. On other transcripts: 5 prime UTR variant (4), intron variant (1).
Genome position (GRCh38, 1-based): chr16:74,661,256, G>A on the plus strand (C>T on the coding strand, the complement: RFWD3 is on the minus strand). VCF-style: chr16-74661256-G-A. GRCh37 (hg19) VCF-style: chr16-74695154-G-A.
Other names: c.194C>T, p.Ala65Val (NM_001370534.1, NM_001370535.1, NM_001370536.1); c.-815C>T (NM_001370537.1); c.-438C>T (NM_001370539.1, NM_001370541.1); c.-692C>T (NM_001370542.1); c.-570C>T (NM_001370543.1); c.-317+3368C>T (NM_001370540.1); short protein forms A65V.
Identifiers: ClinVar variation 1971975 (VCV001971975.5), dbSNP rs201539156, ClinGen allele CA8169626.

ClinVar aggregate classification (germline): Uncertain significance (1 of 4 stars; one submission).

Allele frequency attached by ClinVar (database versions not stated): gnomAD 0.00003; gnomAD exomes 0.00003; TOPMed 0.00004; ExAC 0.00007.
gnomAD v4.1: 47 of 1,613,996 alleles (0.0029%); highest among the groups gnomAD compares: Admixed American, 0.022%; no homozygotes.

Submission:

Labcorp Genetics (formerly Invitae), Labcorp
Classification: Uncertain significance. Last evaluated: 2023-12-16. Review status: criteria provided, single submitter. Criteria: Invitae Variant Classification Sherloc (09022015). Collection method: clinical testing. Allele origin: germline.
Comment: This sequence change replaces alanine, which is neutral and non-polar, with valine, which is neutral and non-polar, at codon 65 of the RFWD3 protein (p.Ala65Val). This variant is present in population databases (rs201539156, gnomAD 0.03%). This variant has not been reported in the literature in individuals affected with RFWD3-related conditions. ClinVar contains an entry for this variant (Variation ID: 1971975). Algorithms developed to predict the effect of missense changes on protein structure and function output the following: SIFT: "Not Available"; PolyPhen-2: "Benign"; Align-GVGD: "Not Available". The valine amino acid residue is found in multiple mammalian species, which suggests that this missense change does not adversely affect protein function. In summary, the available evidence is currently insufficient to determine the role of this variant in disease. Therefore, it has been classified as a Variant of Uncertain Significance.